The following is an entry in ClinVar:

NM_152468.5(TMC8):c.1994C>T (p.Ala665Val)

Gene: TMC8 (transmembrane channel like 8; plus strand). Cytogenetic location: 17q25.3.
Variant type: single nucleotide variant.
Coding change: c.1994C>T on transcript NM_152468.5 (MANE Select); coding-DNA position 1994, C replaced by T.
Protein change: p.Ala665Val; replaces alanine 665 with valine.
Molecular consequence: missense variant.
Genome position (GRCh38, 1-based): chr17:78,140,925, C>T. VCF-style: chr17-78140925-C-T. GRCh37 (hg19) VCF-style: chr17-76137006-C-T.
Other names: short protein forms A665V.
Identifiers: ClinVar variation 3722111 (VCV003722111.2).
Genomic context (GRCh38, chr17:78,140,925, plus strand): 5'-ACCTGTCGCGACTGCTGCCGGAGCCAGGCCCGAGCGACTCTCCGGGCCCCAAGTACCCTG[C>T]CTCCCAAGCTTCGCGCCCGCAGTCCTTCTGCCCCGGATGCCCATGCCCTGGCTCCCCGGG-3'
Protein context (NP_689681.2, residues 655-675): PSDSPGPKYP[Ala665Val]SQASRPQSFC

ClinVar aggregate classification (germline): Uncertain significance (1 of 4 stars; one submission).

Conditions:
Epidermodysplasia verruciformis. Identifiers: Orphanet 302, MedGen C0014522, MONDO:0009176.

Submission:

Labcorp Genetics (formerly Invitae), Labcorp
Classification: Uncertain significance for Epidermodysplasia verruciformis. Last evaluated: 2024-10-12. Review status: criteria provided, single submitter. Criteria: Invitae Variant Classification Sherloc (09022015). Collection method: clinical testing. Allele origin: germline.
Comment: This sequence change replaces alanine, which is neutral and non-polar, with valine, which is neutral and non-polar, at codon 665 of the TMC8 protein (p.Ala665Val). This variant is not present in population databases (gnomAD no frequency). This variant has not been reported in the literature in individuals affected with TMC8-related conditions. An algorithm developed to predict the effect of missense changes on protein structure and function outputs the following: PolyPhen-2: "Benign". The valine amino acid residue is found in multiple mammalian species, which suggests that this missense change does not adversely affect protein function. In summary, the available evidence is currently insufficient to determine the role of this variant in disease. Therefore, it has been classified as a Variant of Uncertain Significance.